The following is an entry in ClinVar:

NM_205768.3(ZBTB18):c.25A>G (p.Ser9Gly)

Gene: ZBTB18 (zinc finger and BTB domain containing 18; plus strand). Cytogenetic location: 1q44.
Variant type: single nucleotide variant.
Coding change: c.25A>G on transcript NM_205768.3 (MANE Select); coding-DNA position 25, A replaced by G.
Protein change: p.Ser9Gly; replaces serine 9 with glycine.
Molecular consequence: missense variant. On other transcripts: 5 prime UTR variant (2).
Genome position (GRCh38, 1-based): chr1:244,053,799, A>G. VCF-style: chr1-244053799-A-G. GRCh37 (hg19) VCF-style: chr1-244217101-A-G.
Other names: c.-3A>G (NM_001278196.2, NM_006352.5); c.25A>G, p.Ser9Gly (NM_001421566.1); short protein forms S9G.
Identifiers: ClinVar variation 4685036 (VCV004685036.1).

ClinVar aggregate classification (germline): Uncertain significance (1 of 4 stars; one submission).

Submission:

GeneDx
Classification: Uncertain significance. Last evaluated: 2025-07-09. Review status: criteria provided, single submitter. Criteria: GeneDx Variant Classification Process June 2021. Collection method: clinical testing. Allele origin: germline. Affected: yes.
Comment: Not observed at significant frequency in large population cohorts (gnomAD); In silico analysis suggests that this missense variant does not alter protein structure/function; Has not been previously published as pathogenic or benign to our knowledge